The following is an entry in ClinVar:

ClinVar aggregate classification (germline): Uncertain significance (1 of 4 stars; one submission).

Conditions:
Hyperkalemic periodic paralysis. Also called: Familial hyperkalemic periodic paralysis; Gamstorp disease. Identifiers: Orphanet 682, MedGen C0238357, MONDO:0008224, OMIM 170500, HP:0007215.

gnomAD v4.1: 2 of 1,613,930 alleles (0.00012%); highest among the groups gnomAD compares: Non-Finnish European, 0.00017%; no homozygotes.

Submission:

Labcorp Genetics (formerly Invitae), Labcorp
Classification: Uncertain significance for Hyperkalemic periodic paralysis. Last evaluated: 2025-09-02. Review status: criteria provided, single submitter. Criteria: Invitae Variant Classification Sherloc (09022015). Collection method: clinical testing. Allele origin: germline.
Comment: This sequence change replaces leucine, which is neutral and non-polar, with valine, which is neutral and non-polar, at codon 1664 of the SCN4A protein (p.Leu1664Val). This variant is not present in population databases (gnomAD no frequency). This variant has not been reported in the literature in individuals affected with SCN4A-related conditions. Invitae Evidence Modeling of protein sequence and biophysical properties (such as structural, functional, and spatial information, amino acid conservation, physicochemical variation, residue mobility, and thermodynamic stability) indicates that this missense variant is not expected to disrupt SCN4A protein function with a negative predictive value of 95%. In summary, the available evidence is currently insufficient to determine the role of this variant in disease. Therefore, it has been classified as a Variant of Uncertain Significance.

NM_000334.4(SCN4A):c.4990C>G (p.Leu1664Val)

Genes: GH-LCR (growth hormone locus control region; plus strand), SCN4A (sodium voltage-gated channel alpha subunit 4; minus strand). Cytogenetic location: 17q23.3.
Variant type: single nucleotide variant.
Coding change: c.4990C>G on transcript NM_000334.4 (MANE Select); coding-DNA position 4990, C replaced by G.
Protein change: p.Leu1664Val; replaces leucine 1664 with valine.
Molecular consequence: missense variant.
Genome position (GRCh38, 1-based): chr17:63,941,292, G>C on the plus strand (C>G on the coding strand, the complement: SCN4A is on the minus strand). VCF-style: chr17-63941292-G-C. GRCh37 (hg19) VCF-style: chr17-62018652-G-C.
Other names: short protein forms L1664V.
Identifiers: ClinVar variation 4767839 (VCV004767839.1).